The following is an entry in ClinVar:

ClinVar aggregate classification (germline): Pathogenic/Likely pathogenic. Review status: criteria provided, multiple submitters, no conflicts (2 of 4 stars). 2 submissions from 2 submitters: Pathogenic (1); Likely pathogenic (1). Last evaluated 2023-11-20.

Conditions:
Retinitis pigmentosa 25 (RP25). Identifiers: Orphanet 791, MedGen C1864446, MONDO:0011272, OMIM 602772.

Allele frequency attached by ClinVar (database versions not stated): gnomAD exomes below 0.00001 and 0.00001.
gnomAD v4.1: 4 of 1,551,220 alleles (0.00026%); highest among the groups gnomAD compares: Non-Finnish European, 0.00035%; no homozygotes.

Submissions (2):

Baylor Genetics
Classification: Likely pathogenic for Retinitis pigmentosa 25. Last evaluated: 2023-11-20. Review status: criteria provided, single submitter. Criteria: ACMG Guidelines, 2015. Collection method: clinical testing. Allele origin: unknown.

Labcorp Genetics (formerly Invitae), Labcorp
Classification: Pathogenic. Last evaluated: 2022-07-19. Review status: criteria provided, single submitter. Criteria: Invitae Variant Classification Sherloc (09022015). Collection method: clinical testing. Allele origin: germline.
Comment: For these reasons, this variant has been classified as Pathogenic. ClinVar contains an entry for this variant (Variation ID: 1353460). This variant has not been reported in the literature in individuals affected with EYS-related conditions. This variant is present in population databases (no rsID available, gnomAD 0.002%). This sequence change creates a premature translational stop signal (p.Gln1407*) in the EYS gene. It is expected to result in an absent or disrupted protein product. Loss-of-function variants in EYS are known to be pathogenic (PMID: 18836446, 20333770).

Literature cited by the submitters: PubMed 18836446 (cited by Labcorp Genetics (formerly Invitae), Labcorp); PubMed 20333770 (cited by Labcorp Genetics (formerly Invitae), Labcorp).

NM_001142800.2(EYS):c.4219C>T (p.Gln1407Ter)

Gene: EYS (EGF-like photoreceptor maintenance factor; minus strand). Cytogenetic location: 6q12.
Variant type: single nucleotide variant.
Coding change: c.4219C>T on transcript NM_001142800.2 (MANE Select); coding-DNA position 4219, C replaced by T.
Protein change: p.Gln1407Ter; replaces glutamine 1407 with a stop codon.
Molecular consequence: nonsense.
Genome position (GRCh38, 1-based): chr6:64,591,648, G>A on the plus strand (C>T on the coding strand, the complement: EYS is on the minus strand). VCF-style: chr6-64591648-G-A. GRCh37 (hg19) VCF-style: chr6-65301541-G-A.
Other names: c.4219C>T, p.Gln1407Ter (NM_001292009.2); short protein forms Q1407*.
Identifiers: ClinVar variation 1353460 (VCV001353460.7), dbSNP rs1421392730, ClinGen allele CA364783789.
Genomic context (GRCh38, chr6:64,591,648, plus strand): 5'-CTGAAGTCGTTGGGGTAGCAGATAAAGCAACAGTCTGACAGTTCTCAAATAATAAAGATT[G>A]TGTAGGAAAAATAAAATCTGACATTAAGGAAGACATGATAAATGGGGTCCTTGCTCTCCT-3'